The following is an entry in ClinVar:

NM_003709.4(KLF7):c.231A>C (p.Leu77Phe)

Gene: KLF7 (KLF transcription factor 7; minus strand). Cytogenetic location: 2q33.3.
Variant type: single nucleotide variant.
Coding change: c.231A>C on transcript NM_003709.4 (MANE Select); coding-DNA position 231, A replaced by C.
Protein change: p.Leu77Phe; replaces leucine 77 with phenylalanine.
Molecular consequence: missense variant.
Genome position (GRCh38, 1-based): chr2:207,124,276, T>G on the plus strand (A>C on the coding strand, the complement: KLF7 is on the minus strand). VCF-style: chr2-207124276-T-G. GRCh37 (hg19) VCF-style: chr2-207989000-T-G.
Other names: c.231A>C, p.Leu77Phe (NM_001270942.1); c.132A>C, p.Leu44Phe (NM_001270943.2); c.147A>C, p.Leu49Phe (NM_001270944.2); short protein forms L44F, L49F, L77F.
Identifiers: ClinVar variation 2571724 (VCV002571724.1), dbSNP rs1470391523, ClinGen allele CA350157970.
Genomic context (GRCh38, chr2:207,124,276, plus strand): 5'-GATGTCCACTGCCGAGCTCTTCTCACAGATGGCCGCTTCCACGGGGAGCAGCAGGGGGTC[T>G]AAGCGACGGAAGCTTTCCTCAATGCACGGGGGAGGGGAAGCGTGGAGGAAACAGTCCAAG-3'
Protein context (NP_003700.1, residues 67-87): PPCIEESFRR[Leu77Phe]DPLLLPVEAA

ClinVar aggregate classification (germline): Uncertain significance (1 of 4 stars; one submission).

Submission:

GeneDx
Classification: Uncertain significance. Last evaluated: 2023-01-09. Review status: criteria provided, single submitter. Criteria: GeneDx Variant Classification Process June 2021. Collection method: clinical testing. Allele origin: germline. Affected: yes.
Comment: Not observed at significant frequency in large population cohorts (gnomAD); In silico analysis supports that this missense variant has a deleterious effect on protein structure/function; Has not been previously published as pathogenic or benign to our knowledge